The following is an entry in ClinVar:

ClinVar aggregate classification (germline): Benign (1 of 4 stars; one submission).

Conditions:
Fanconi anemia complementation group C (FANCC). Also called: FANCONI PANCYTOPENIA, TYPE 3; FACC; Fanconi anemia, group C; FANCC-Related Fanconi Anemia. Identifiers: Orphanet 84, MedGen C3468041, MONDO:0009213, OMIM 227645.

Allele frequency attached by ClinVar (database versions not stated): 1000 Genomes Project 30x 0.01889; 1000 Genomes Project 0.02077; gnomAD exomes 0.02315; TOPMed 0.02480; gnomAD 0.02734 and 0.02750.
gnomAD v4.1: 5,601 of 215,522 alleles (2.6%); highest among the groups gnomAD compares: Admixed American, 4.4%; 107 homozygotes.

Submission:

Illumina Laboratory Services, Illumina
Classification: Benign for Fanconi anemia complementation group C. Last evaluated: 2018-01-13. Review status: criteria provided, single submitter. Criteria: ICSL Variant Classification Criteria 13 December 2019. Collection method: clinical testing. Allele origin: germline.
Comment: This variant was observed in the ICSL laboratory as part of a predisposition screen in an ostensibly healthy population. It had not been previously curated by ICSL or reported in the Human Gene Mutation Database (HGMD: prior to June 1st, 2018), and was therefore a candidate for classification through an automated scoring system. Utilizing variant allele frequency, disease prevalence and penetrance estimates, and inheritance mode, an automated score was calculated to assess if this variant is too frequent to cause the disease. Based on the score and internal cut-off values, a variant classified as benign is not then subjected to further curation. The score for this variant resulted in a classification of benign for this disease.

NM_000136.3(FANCC):c.*2552T>C

Genes: FANCC (FA complementation group C; minus strand), AOPEP (aminopeptidase O (putative); plus strand). Cytogenetic location: 9q22.32.
Variant type: single nucleotide variant.
Coding change: c.*2552T>C on transcript NM_000136.3 (MANE Select); 2552 bases downstream of the stop codon, T replaced by C.
Molecular consequence: 3 prime UTR variant.
Genome position (GRCh38, 1-based): chr9:95,099,155, A>G on the plus strand (T>C on the coding strand, the complement: FANCC is on the minus strand). VCF-style: chr9-95099155-A-G. GRCh37 (hg19) VCF-style: chr9-97861437-A-G.
Other names: c.*2552T>C (NM_001243743.2).
Identifiers: ClinVar variation 367569 (VCV000367569.5), dbSNP rs9673, ClinGen allele CA10630586.
Genomic context (GRCh38, chr9:95,099,155, plus strand): 5'-CAACAAATTACAGATTTTAAAGAGCTAAAAAATTCCACAGATGTCACGGAGTCCAGGGGA[A>G]TAACAGCCTGGTTGGAGGGGCGCTCTCCGCCTCTTCTGTATTTTTGGCTCTCTCTGAGGG-3'